The following is an entry in ClinVar:

NM_000170.3(GLDC):c.1926+1G>A

Gene: GLDC (glycine decarboxylase; minus strand). Cytogenetic location: 9p24.1.
Variant type: single nucleotide variant.
Coding change: c.1926+1G>A on transcript NM_000170.3 (MANE Select); the canonical splice donor site of the intron after coding-DNA position 1926, G replaced by A.
Molecular consequence: splice donor variant.
Genome position (GRCh38, 1-based): chr9:6,565,353, C>T on the plus strand (G>A on the coding strand, the complement: GLDC is on the minus strand). VCF-style: chr9-6565353-C-T. GRCh37 (hg19) VCF-style: chr9-6565353-C-T.
Identifiers: ClinVar variation 56053 (VCV000056053.2), dbSNP rs386833534, ClinGen allele CA263318.

ClinVar aggregate classification (germline): Likely pathogenic (0 of 4 stars; one submission).

Conditions:
Glycine encephalopathy. Also called: Nonketotic hyperglycinemia; Non-ketotic hyperglycinemia. Identifiers: Orphanet 407, MedGen C0751748, MONDO:0011612, HP:0008288.

Allele frequency attached by ClinVar (database versions not stated): TOPMed below 0.00001.

Submission:

Juha Muilu Group; Institute for Molecular Medicine Finland (FIMM)
Classification: Likely pathogenic for Non-ketotic hyperglycinemia. Review status: no assertion criteria provided. Collection method: not provided. Allele origin: unknown.
Comment: FinDis database variant: This variant was not found or characterized by our laboratory, data were collected from public sources: see reference
ClinVar note: Converted during submission from probable-pathogenic to Likely pathogenic.